The following is an entry in ClinVar:

ClinVar aggregate classification (germline): Uncertain significance. Review status: criteria provided, multiple submitters, no conflicts (2 of 4 stars). 2 submissions from 2 submitters: Uncertain significance (2). Last evaluated 2025-06-03.

gnomAD v4.1: 52 of 1,611,902 alleles (0.0032%); highest among the groups gnomAD compares: Middle Eastern, 0.036%; no homozygotes.

Submissions (2):

Labcorp Genetics (formerly Invitae), Labcorp
Classification: Uncertain significance. Last evaluated: 2025-06-03. Review status: criteria provided, single submitter. Criteria: Invitae Variant Classification Sherloc (09022015). Collection method: clinical testing. Allele origin: germline.
Comment: This sequence change replaces arginine, which is basic and polar, with cysteine, which is neutral and slightly polar, at codon 378 of the HS6ST1 protein (p.Arg378Cys). This variant is present in population databases (rs556568945, gnomAD 0.01%). This variant has not been reported in the literature in individuals affected with HS6ST1-related conditions. ClinVar contains an entry for this variant (Variation ID: 3284822). Invitae Evidence Modeling of protein sequence and biophysical properties (such as structural, functional, and spatial information, amino acid conservation, physicochemical variation, residue mobility, and thermodynamic stability) has been performed for this missense variant. However, the output from this modeling did not meet the statistical confidence thresholds required to predict the impact of this variant on HS6ST1 protein function. In summary, the available evidence is currently insufficient to determine the role of this variant in disease. Therefore, it has been classified as a Variant of Uncertain Significance.

Ambry Genetics
Classification: Uncertain significance. Last evaluated: 2024-05-07. Review status: criteria provided, single submitter. Criteria: Ambry Variant Classification Scheme 2023. Collection method: clinical testing. Allele origin: germline.

NM_004807.3(HS6ST1):c.1132C>T (p.Arg378Cys)

Gene: HS6ST1 (heparan sulfate 6-O-sulfotransferase 1; minus strand). Cytogenetic location: 2q14.3.
Variant type: single nucleotide variant.
Coding change: c.1132C>T on transcript NM_004807.3 (MANE Select); coding-DNA position 1132, C replaced by T.
Protein change: p.Arg378Cys; replaces arginine 378 with cysteine.
Molecular consequence: missense variant.
Genome position (GRCh38, 1-based): chr2:128,268,266, G>A on the plus strand (C>T on the coding strand, the complement: HS6ST1 is on the minus strand). VCF-style: chr2-128268266-G-A. GRCh37 (hg19) VCF-style: chr2-129025840-G-A.
Other names: short protein forms R378C.
Identifiers: ClinVar variation 3284822 (VCV003284822.2).